The following is an entry in ClinVar:

NM_020988.3(GNAO1):c.118G>A (p.Gly40Arg)

Gene: GNAO1 (G protein subunit alpha o1; plus strand). Cytogenetic location: 16q13.
Variant type: single nucleotide variant.
Coding change: c.118G>A on transcript NM_020988.3 (MANE Select); coding-DNA position 118, G replaced by A.
Protein change: p.Gly40Arg; replaces glycine 40 with arginine.
Molecular consequence: missense variant.
Genome position (GRCh38, 1-based): chr16:56,192,353, G>A. VCF-style: chr16-56192353-G-A. GRCh37 (hg19) VCF-style: chr16-56226265-G-A.
Other names: c.118G>A, p.Gly40Arg (NM_138736.3); short protein forms G40R.
Identifiers: ClinVar variation 666297 (VCV000666297.2), dbSNP rs886041715, ClinGen allele CA396128554.

ClinVar aggregate classification (germline): Pathogenic/Likely pathogenic. Review status: criteria provided, multiple submitters, no conflicts (2 of 4 stars). 2 submissions from 2 submitters: Pathogenic (1); Likely pathogenic (1). Last evaluated 2025-04-25.

Conditions:
GNAO1-related disorder. Also called: GNAO1-related condition; GNAO1-Related Disorders. Identifiers: MedGen CN381308.
Developmental and epileptic encephalopathy, 17 (DEE17). Also called: Early infantile epileptic encephalopathy 17. Identifiers: Orphanet 1934, MedGen C3809606, MONDO:0014199, OMIM 615473.

Submissions (2):

3billion
Classification: Pathogenic for GNAO1-related disorder. Last evaluated: 2025-04-25. Review status: criteria provided, single submitter. Criteria: ACMG Guidelines, 2015. Collection method: clinical testing. Allele origin: germline. Affected: yes.
Comment: The variant is observed at an extremely low frequency in the gnomAD v4.1.0 dataset (total allele frequency: <0.001%).Predicted Consequence/Location: The variant is located in a mutational hot spot and/or well-established functional domain in which established pathogenic variants have been reported. Missense variant. Missense changes are a common disease-causing mechanism. In silico tool predictions suggest damaging effect of the variant on gene or gene product [REVEL: 0.98 (>=0.6, sensitivity 0.68 and specificity 0.92); 3Cnet: 0.97 (> 0.75, sensitivity 0.96 and precision 0.92)]. The same nucleotide change resulting in the same amino acid change has been previously reported as pathogenic/likely pathogenic with strong evidence (ClinVar ID: VCV000666297 / PMID: 26485252). Different missense changes at the same codon (p.Gly40Ala, p.Gly40Glu, p.Gly40Trp, p.Gly40Val) have been reported as pathogenic/likely pathogenic with strong evidence (ClinVar ID: VCV000280526, VCV000280589, VCV000587482, VCV001802972 / PMID: 29390993, 30682224). Therefore, this variant is classified as Pathogenic according to the recommendation of ACMG/AMP guideline.

Equipe Genetique des Anomalies du Developpement, Université de Bourgogne
Classification: Likely pathogenic for Developmental and epileptic encephalopathy, 17. Last evaluated: 2015-01-01. Review status: criteria provided, single submitter. Criteria: ACMG Guidelines, 2007. Collection method: clinical testing. Allele origin: de novo. Affected: yes.

Literature cited by the submitters: PubMed 26485252 (cited by 3billion); PubMed 29390993 (cited by 3billion).